The following is an entry in ClinVar:

NM_002485.5(NBN):c.521C>T (p.Pro174Leu)

Gene: NBN (nibrin; minus strand). Cytogenetic location: 8q21.3.
Variant type: single nucleotide variant.
Coding change: c.521C>T on transcript NM_002485.5 (MANE Select); coding-DNA position 521, C replaced by T.
Protein change: p.Pro174Leu; replaces proline 174 with leucine.
Molecular consequence: missense variant.
Genome position (GRCh38, 1-based): chr8:89,978,283, G>A on the plus strand (C>T on the coding strand, the complement: NBN is on the minus strand). VCF-style: chr8-89978283-G-A. GRCh37 (hg19) VCF-style: chr8-90990511-G-A.
Other names: c.275C>T, p.Pro92Leu (NM_001024688.3); short protein forms P174L, P92L.
Identifiers: ClinVar variation 3700435 (VCV003700435.3).
Genomic context (GRCh38, chr8:89,978,283, plus strand): 5'-TCAATTTGTGGAGGCTGCTTCTTGGACTCAACTGCTTTCAGGAATTCAGTAAAATATTCT[G>A]GCTTTACAATTGGACGTCCACAAATGAGTGCACATATTGTCTACAATGAAGAAAACATGT-3'
Protein context (NP_002476.2, residues 164-184): ALICGRPIVK[Pro174Leu]EYFTEFLKAV

ClinVar aggregate classification (germline): Uncertain significance. Review status: criteria provided, multiple submitters, no conflicts (2 of 4 stars). 2 submissions from 2 submitters: Uncertain significance (2). Last evaluated 2025-12-23.

Conditions:
Hereditary cancer-predisposing syndrome. Also called: Hereditary Cancer Syndrome; Neoplastic Syndromes, Hereditary; Tumor predisposition; Hereditary neoplastic syndrome. Identifiers: Orphanet 140162, MedGen C0027672, MeSH D009386, MONDO:0015356.
Microcephaly, normal intelligence and immunodeficiency (NBS). Also called: BERLIN BREAKAGE SYNDROME; IMMUNODEFICIENCY, MICROCEPHALY, AND CHROMOSOMAL INSTABILITY; SEEMANOVA SYNDROME II; Nijmegen breakage syndrome; Microcephaly with normal intelligence immunodeficiency and lymphoreticular malignancies; Nonsyndromal microcephaly autosomal recessive with normal intelligence. Identifiers: Orphanet 647, MedGen C0398791, MONDO:0009623, OMIM 251260.

gnomAD v4.1: 1 of 1,598,220 alleles (0.000063%); highest among the groups gnomAD compares: Non-Finnish European, 0.000086%; no homozygotes.

Submissions (2):

Ambry Genetics
Classification: Uncertain significance for Hereditary cancer-predisposing syndrome. Last evaluated: 2025-12-23. Review status: criteria provided, single submitter. Criteria: Ambry Variant Classification Scheme 2023. Collection method: clinical testing. Allele origin: germline.
Comment: The p.P174L variant (also known as c.521C>T), located in coding exon 5 of the NBN gene, results from a C to T substitution at nucleotide position 521. The proline at codon 174 is replaced by leucine, an amino acid with similar properties. This amino acid position is conserved. In addition, this alteration is predicted to be deleterious by in silico analysis. Based on the available evidence, the clinical significance of this variant remains unclear.

Labcorp Genetics (formerly Invitae), Labcorp
Classification: Uncertain significance for Microcephaly, normal intelligence and immunodeficiency. Last evaluated: 2024-11-12. Review status: criteria provided, single submitter. Criteria: Invitae Variant Classification Sherloc (09022015). Collection method: clinical testing. Allele origin: germline.
Comment: This sequence change replaces proline, which is neutral and non-polar, with leucine, which is neutral and non-polar, at codon 174 of the NBN protein (p.Pro174Leu). This variant is not present in population databases (gnomAD no frequency). This variant has not been reported in the literature in individuals affected with NBN-related conditions. An algorithm developed to predict the effect of missense changes on protein structure and function (PolyPhen-2) suggests that this variant is likely to be disruptive. In summary, the available evidence is currently insufficient to determine the role of this variant in disease. Therefore, it has been classified as a Variant of Uncertain Significance.